The following is an entry in ClinVar:

ClinVar aggregate classification (germline): Uncertain significance (1 of 4 stars; one submission).

Conditions:
Catecholaminergic polymorphic ventricular tachycardia 1. Also called: VENTRICULAR TACHYCARDIA, CATECHOLAMINERGIC POLYMORPHIC, 1, WITH OR WITHOUT ATRIAL DYSFUNCTION AND/OR DILATED CARDIOMYOPATHY; VENTRICULAR TACHYCARDIA, STRESS-INDUCED POLYMORPHIC 1; RYR2-Related Catecholaminergic Polymorphic Ventricular Tachycardia. Identifiers: Orphanet 3286, MedGen C1631597, MONDO:0011484, OMIM 604772.

Submission:

Labcorp Genetics (formerly Invitae), Labcorp
Classification: Uncertain significance for Catecholaminergic polymorphic ventricular tachycardia 1. Last evaluated: 2023-08-10. Review status: criteria provided, single submitter. Criteria: Invitae Variant Classification Sherloc (09022015). Collection method: clinical testing. Allele origin: germline.
Comment: This variant occurs in a non-coding region of the RYR2 gene. It does not change the encoded amino acid sequence of the RYR2 protein. This variant is present in population databases (no rsID available, gnomAD 0.007%). This variant has not been reported in the literature in individuals affected with RYR2-related conditions. ClinVar contains an entry for this variant (Variation ID: 1391993). Experimental studies and prediction algorithms are not available or were not evaluated, and the functional significance of this variant is currently unknown. In summary, the available evidence is currently insufficient to determine the role of this variant in disease. Therefore, it has been classified as a Variant of Uncertain Significance.

NM_001035.3(RYR2):c.*1_*5dup (p.Ter4968=)

Gene: RYR2 (ryanodine receptor 2; plus strand). Cytogenetic location: 1q43.
Variant type: Duplication.
Coding change: c.*1_*5dup on transcript NM_001035.3 (MANE Select); 1 bases downstream of the stop codon through 5 bases downstream of the stop codon, 5 bases duplicated (ACTCA; older notation c.*1_*5dupACTCA).
Protein change: p.Ter4968=.
Molecular consequence: no sequence alteration.
Genome position (GRCh38, 1-based): chr1:237,832,648-237,832,652, ACTCA duplicated; duplicating any 5 consecutive bases within chr1:237,832,647-237,832,652 gives the same sequence; the c. name uses the placement nearest the transcript's 3' end. VCF-style (leftmost placement, unchanged base first): chr1-237832646-A-AAACTC. GRCh37 (hg19) VCF-style: chr1-237995946-A-AAACTC.
Identifiers: ClinVar variation 1391993 (VCV001391993.5), dbSNP rs1252973606, ClinGen allele CA529554858.
Genomic context (GRCh38, chr1:237,832,646, plus strand): 5'-GTTGGGAATTTTTCCCAGCAGGGGATTGCTTCCGGAAACAGTATGAAGACCAGCTAAATT[A>AAACTC]AACTCAGACCCAATCACCTCTAAAAACCAAAACCCTACCCCTCTCTCTCCCTCTCTCAAT-3'